The following is an entry in ClinVar:

ClinVar aggregate classification (germline): Uncertain significance. Review status: criteria provided, multiple submitters, no conflicts (2 of 4 stars). 2 submissions from 2 submitters: Uncertain significance (2). Last evaluated 2025-03-08.

Conditions:
Combined immunodeficiency due to CD3gamma deficiency. Also called: Immunodeficiency 17, CD3 gamma deficient; Immunodeficiency 17; CD3-GAMMA DEFICIENCY; SCID-LIKE IMMUNODEFICIENCY, T CELL-PARTIAL, B CELL-POSITIVE, NK CELL-POSITIVE. Identifiers: Orphanet 169082, MedGen C3810107, MONDO:0014276, OMIM 615607.

Allele frequency attached by ClinVar (database versions not stated): gnomAD exomes 0.00001; TOPMed below 0.00001.
gnomAD v4.1: 4 of 1,614,132 alleles (0.00025%); highest among the groups gnomAD compares: Middle Eastern, 0.016%; no homozygotes.

Submissions (2):

Ambry Genetics
Classification: Uncertain significance. Last evaluated: 2025-03-08. Review status: criteria provided, single submitter. Criteria: Ambry Variant Classification Scheme 2023. Collection method: clinical testing. Allele origin: germline.

Labcorp Genetics (formerly Invitae), Labcorp
Classification: Uncertain significance for Combined immunodeficiency due to CD3gamma deficiency. Last evaluated: 2022-09-01. Review status: criteria provided, single submitter. Criteria: Invitae Variant Classification Sherloc (09022015). Collection method: clinical testing. Allele origin: germline.
Comment: This sequence change replaces glycine, which is neutral and non-polar, with arginine, which is basic and polar, at codon 75 of the CD3G protein (p.Gly75Arg). This variant is present in population databases (no rsID available, gnomAD 0.002%). This variant has not been reported in the literature in individuals affected with CD3G-related conditions. ClinVar contains an entry for this variant (Variation ID: 937048). Algorithms developed to predict the effect of missense changes on protein structure and function are either unavailable or do not agree on the potential impact of this missense change (SIFT: "Deleterious"; PolyPhen-2: "Probably Damaging"; Align-GVGD: "Class C15"). In summary, the available evidence is currently insufficient to determine the role of this variant in disease. Therefore, it has been classified as a Variant of Uncertain Significance.

NM_000073.3(CD3G):c.223G>A (p.Gly75Arg)

Genes: CD3G (CD3 gamma subunit of T-cell receptor complex; plus strand), LOC126861358 (BRD4-independent group 4 enhancer GRCh37_chr11:118220212-118221411; plus strand). Cytogenetic location: 11q23.3.
Variant type: single nucleotide variant.
Coding change: c.223G>A on transcript NM_000073.3 (MANE Select); coding-DNA position 223, G replaced by A.
Protein change: p.Gly75Arg; replaces glycine 75 with arginine.
Molecular consequence: missense variant.
Genome position (GRCh38, 1-based): chr11:118,349,886, G>A. VCF-style: chr11-118349886-G-A. GRCh37 (hg19) VCF-style: chr11-118220601-G-A.
Other names: short protein forms G75R.
Identifiers: ClinVar variation 937048 (VCV000937048.8), dbSNP rs1325306530, ClinGen allele CA382792649.